The following is an entry in ClinVar:

NM_080732.4(EGLN2):c.409G>A (p.Ala137Thr)

Genes: EGLN2 (egl-9 family hypoxia inducible factor 2; plus strand), RAB4B-EGLN2 (RAB4B-EGLN2 readthrough (NMD candidate); plus strand). Cytogenetic location: 19q13.2.
Variant type: single nucleotide variant.
Coding change: c.409G>A on transcript NM_080732.4 (MANE Select); coding-DNA position 409, G replaced by A.
Protein change: p.Ala137Thr; replaces alanine 137 with threonine.
Molecular consequence: missense variant. On other transcripts: non-coding transcript variant (1).
Genome position (GRCh38, 1-based): chr19:40,800,981, G>A. VCF-style: chr19-40800981-G-A. GRCh37 (hg19) VCF-style: chr19-41306886-G-A.
Other names: p.Ala137Thr; c.409G>A, p.Ala137Thr (NM_053046.4); short protein forms A137T.
Identifiers: ClinVar variation 1737811 (VCV001737811.3), dbSNP rs779083045, ClinGen allele CA9452209.
Genomic context (GRCh38, chr19:40,800,981, plus strand): 5'-CCCAAACGGAAATGGGCCGAGGATGGTGGGGATGCCCCTTCACCCAGCAAACGGCCCTGG[G>A]CCAGGCAAGAGAACCAGGAGGCAGAGCGGGAGGGTGGCATGAGCTGCAGCTGCAGCAGTG-3'
Protein context (NP_542770.2, residues 127-147): DAPSPSKRPW[Ala137Thr]RQENQEAERE

ClinVar aggregate classification (germline): Uncertain significance. Review status: criteria provided, multiple submitters, no conflicts (2 of 4 stars). 2 submissions from 2 submitters: Uncertain significance (2). Last evaluated 2025-03-12.

Allele frequency attached by ClinVar (database versions not stated): ExAC 0.00001; gnomAD exomes 0.00001; TOPMed 0.00001.
gnomAD v4.1: 17 of 1,612,556 alleles (0.0011%); highest among the groups gnomAD compares: East Asian, 0.036%; no homozygotes.

Submissions (2):

Mayo Clinic Laboratories, Mayo Clinic
Classification: Uncertain significance. Last evaluated: 2025-03-12. Review status: criteria provided, single submitter. Criteria: ACMG Guidelines, 2015. Collection method: clinical testing. Allele origin: germline. Observed: 1 variant allele.
Comment: BP4_moderate, PM2_supporting

Ambry Genetics
Classification: Uncertain significance. Last evaluated: 2024-01-12. Review status: criteria provided, single submitter. Criteria: Ambry Variant Classification Scheme 2023. Collection method: clinical testing. Allele origin: germline.
Comment: The p.A137T variant (also known as c.409G>A), located in coding exon 1 of the EGLN2 gene, results from a G to A substitution at nucleotide position 409. The alanine at codon 137 is replaced by threonine, an amino acid with similar properties. This amino acid position is conserved. In addition, this alteration is predicted to be tolerated by in silico analysis. Since supporting evidence is limited at this time, the clinical significance of this alteration remains unclear.